The following is an entry in ClinVar:

NM_006073.4(TRDN):c.22G>C (p.Gly8Arg)

Gene: TRDN (triadin; minus strand). Cytogenetic location: 6q22.31.
Variant type: single nucleotide variant.
Coding change: c.22G>C on transcript NM_006073.4 (MANE Select); coding-DNA position 22, G replaced by C.
Protein change: p.Gly8Arg; replaces glycine 8 with arginine.
Molecular consequence: missense variant.
Genome position (GRCh38, 1-based): chr6:123,636,754, C>G on the plus strand (G>C on the coding strand, the complement: TRDN is on the minus strand). VCF-style: chr6-123636754-C-G. GRCh37 (hg19) VCF-style: chr6-123957899-C-G.
Other names: c.22G>C, p.Gly8Arg (NM_001251987.2, NM_001256020.2, NM_001256021.2 and 2 more transcripts); short protein forms G8R.
Identifiers: ClinVar variation 3225249 (VCV003225249.1), dbSNP rs1350873943, ClinGen allele CA365567964.

ClinVar aggregate classification (germline): Likely pathogenic (1 of 4 stars; one submission).

Conditions:
Cardiovascular phenotype. Identifiers: MedGen CN230736.

Allele frequency attached by ClinVar (database versions not stated): gnomAD exomes below 0.00001; gnomAD 0.00001; TOPMed 0.00001.
gnomAD v4.1: 2 of 1,611,316 alleles (0.00012%); highest among the groups gnomAD compares: Non-Finnish European, 0.00017%; no homozygotes.

Submission:

Ambry Genetics
Classification: Likely pathogenic for Cardiovascular phenotype. Last evaluated: 2024-01-25. Review status: criteria provided, single submitter. Criteria: Ambry Variant Classification Scheme 2023. Collection method: clinical testing. Allele origin: germline.
Comment: The p.G8R variant (also known as c.22G>C), located in coding exon 1 of the TRDN gene, results from a G to C substitution at nucleotide position 22. The amino acid change results in glycine to arginine at codon 8, an amino acid with dissimilar properties. However, this change occurs in the last base pair of coding exon 1, which makes it likely to have some effect on normal mRNA splicing. This variant is considered to be rare based on population cohorts in the Genome Aggregation Database (gnomAD). This nucleotide position is highly conserved in available vertebrate species. This amino acid position is highly conserved in available vertebrate species. In silico splice site analysis predicts that this alteration will weaken the native splice donor site and may result in the creation or strengthening of a novel splice donor site. In addition, as a missense substitution this is predicted to be inconclusive by in silico analysis. Based on the majority of available evidence to date, this variant is likely to be pathogenic.